The following is an entry in ClinVar:

ClinVar aggregate classification (germline): Benign/Likely benign. Review status: criteria provided, multiple submitters, no conflicts (2 of 4 stars). 5 submissions from 5 submitters: Benign (1); Likely benign (4). Last evaluated 2026-01-28.

Conditions:
Renal cell carcinoma. Identifiers: Orphanet 217071, MedGen C0007134, MeSH D002292, MONDO:0005086, HP:0005584.
Hereditary cancer-predisposing syndrome. Also called: Hereditary neoplastic syndrome; Tumor predisposition; Hereditary Cancer Syndrome; Neoplastic Syndromes, Hereditary. Identifiers: Orphanet 140162, MedGen C0027672, MeSH D009386, MONDO:0015356.
Papillary renal cell carcinoma type 1 (RCCP1). Also called: Renal adenocarcinoma; Renal cell carcinoma 1; Renal cell carcinoma, somatic; RENAL CELL CARCINOMA, PAPILLARY, 1, SOMATIC. Identifiers: Orphanet 47044, MedGen C1336839, OMIM 605074, HP:0011797.

Allele frequency attached by ClinVar (database versions not stated): ESP Exome Variant Server 0.00008; ExAC 0.00010; gnomAD 0.00020 and 0.00021; TOPMed 0.00022; 1000 Genomes Project 0.00040; 1000 Genomes Project 30x 0.00047.
gnomAD v4.1: 57 of 1,613,748 alleles (0.0035%); highest among the groups gnomAD compares: African/African-American, 0.055%; no homozygotes.

Submissions (5):

Labcorp Genetics (formerly Invitae), Labcorp
Classification: Likely benign for Renal cell carcinoma. Last evaluated: 2026-01-28. Review status: criteria provided, single submitter. Criteria: Invitae Variant Classification Sherloc (09022015). Collection method: clinical testing. Allele origin: germline.

ARUP Laboratories, Molecular Genetics and Genomics, ARUP Laboratories
Classification: Likely benign. Last evaluated: 2024-11-23. Review status: criteria provided, single submitter. Criteria: ARUP Molecular Germline Variant Investigation Process 2024. Collection method: clinical testing. Allele origin: germline.

Myriad Genetics, Inc.
Classification: Benign for Papillary renal cell carcinoma type 1. Last evaluated: 2024-11-11. Review status: criteria provided, single submitter. Criteria: Myriad Autosomal Dominant, Autosomal Recessive and X-Linked Classification Criteria (2023). Collection method: clinical testing. Allele origin: unknown.
Comment: This variant is considered benign. This variant is a silent/synonymous amino acid change and it is not expected to impact splicing.

GeneDx
Classification: Likely benign. Last evaluated: 2021-04-27. Review status: criteria provided, single submitter. Criteria: GeneDx Variant Classification Process June 2021. Collection method: clinical testing. Allele origin: germline. Affected: yes.

Ambry Genetics
Classification: Likely benign for Hereditary cancer-predisposing syndrome. Last evaluated: 2017-10-02. Review status: criteria provided, single submitter. Criteria: Ambry Variant Classification Scheme 2023. Collection method: clinical testing. Allele origin: germline.

NM_000245.4(MET):c.2568T>C (p.Asn856=)

Gene: MET (MET proto-oncogene, receptor tyrosine kinase; plus strand). Cytogenetic location: 7q31.2.
Variant type: single nucleotide variant.
Coding change: c.2568T>C on transcript NM_000245.4 (MANE Select); coding-DNA position 2568, T replaced by C.
Protein change: p.Asn856=; no amino-acid change (asparagine 856 retained).
Molecular consequence: synonymous variant.
Genome position (GRCh38, 1-based): chr7:116,763,253, T>C. VCF-style: chr7-116763253-T-C. GRCh37 (hg19) VCF-style: chr7-116403307-T-C.
Other names: c.2622T>C, p.Asn874= (NM_001127500.3); c.2568T>C, p.Asn856= (NM_001324401.3); c.1278T>C, p.Asn426= (NM_001324402.2).
Identifiers: ClinVar variation 220030 (VCV000220030.22), dbSNP rs118057172, ClinGen allele CA349203.
Genomic context (GRCh38, chr7:116,763,253, plus strand): 5'-ACATAATCCTGTGTTTAAGCCTTTTGAAAAGCCAGTGATGATCTCAATGGGCAATGAAAA[T>C]GTACTGGAAATTAAGGTAAGAAATGCTTTAAACACTGTCTTAAATCATCAGCTCAAACTT-3'
Protein context (NP_000236.2, residues 846-866): KPVMISMGNE[Asn856=]VLEIKGNDID